The following is an entry in ClinVar:

NM_017617.5(NOTCH1):c.1664C>T (p.Thr555Met)

Gene: NOTCH1 (notch receptor 1; minus strand). Cytogenetic location: 9q34.3.
Variant type: single nucleotide variant.
Coding change: c.1664C>T on transcript NM_017617.5 (MANE Select); coding-DNA position 1664, C replaced by T.
Protein change: p.Thr555Met; replaces threonine 555 with methionine.
Molecular consequence: missense variant.
Genome position (GRCh38, 1-based): chr9:136,515,986, G>A on the plus strand (C>T on the coding strand, the complement: NOTCH1 is on the minus strand). VCF-style: chr9-136515986-G-A. GRCh37 (hg19) VCF-style: chr9-139410438-G-A.
Other names: c.1664C>T, p.Thr555Met (LRG_1122t1); short protein forms T555M.
Identifiers: ClinVar variation 546533 (VCV000546533.15), dbSNP rs746796894, ClinGen allele CA5341696.

ClinVar aggregate classification (germline): Conflicting classifications of pathogenicity. Review status: criteria provided, conflicting classifications (1 of 4 stars). 5 submissions from 4 submitters: Uncertain significance (4); Benign (1). Last evaluated 2026-01-19.

Conditions:
Aortic valve disease 1 (AOVD1). Identifiers: MedGen C3887892, MONDO:0024523, OMIM 109730.
Adams-Oliver syndrome 5 (AOS5). Identifiers: Orphanet 974, MedGen C4014970, MONDO:0014459, OMIM 616028.

Allele frequency attached by ClinVar (database versions not stated): gnomAD exomes 0.00001; gnomAD 0.00005; ExAC 0.00001; TOPMed 0.00005.
gnomAD v4.1: 19 of 1,609,812 alleles (0.0012%); highest among the groups gnomAD compares: African/African-American, 0.011%; no homozygotes.

Submissions (5):

Labcorp Genetics (formerly Invitae), Labcorp
Classification: Benign for Adams-Oliver syndrome 5. Last evaluated: 2026-01-19. Review status: criteria provided, single submitter. Criteria: Invitae Variant Classification Sherloc (09022015). Collection method: clinical testing. Allele origin: germline.

Fulgent Genetics
Classification: Uncertain significance for Aortic valve disease 1; Adams-Oliver syndrome 5. Last evaluated: 2024-02-12. Review status: criteria provided, single submitter. Criteria: ACMG Guidelines, 2015. Collection method: clinical testing. Allele origin: germline.

GeneDx
Classification: Uncertain significance. Last evaluated: 2023-08-30. Review status: criteria provided, single submitter. Criteria: GeneDx Variant Classification Process June 2021. Collection method: clinical testing. Allele origin: germline. Affected: yes.
Comment: Has not been previously published as pathogenic or benign to our knowledge; In silico analysis supports that this missense variant has a deleterious effect on protein structure/function

Genome-Nilou Lab
Classification: Uncertain significance for Adams-Oliver syndrome 5. Last evaluated: 2022-03-15. Review status: criteria provided, single submitter. Criteria: ACMG Guidelines, 2015. Collection method: clinical testing. Allele origin: germline. Affected: no.

Genome-Nilou Lab
Classification: Uncertain significance for Aortic valve disease 1. Last evaluated: 2022-03-15. Review status: criteria provided, single submitter. Criteria: ACMG Guidelines, 2015. Collection method: clinical testing. Allele origin: germline. Affected: no.